The following is an entry in ClinVar:

ClinVar aggregate classification (germline): Likely benign. Review status: criteria provided, multiple submitters, no conflicts (2 of 4 stars). 4 submissions from 4 submitters: Likely benign (3). 1 of the submissions does not count toward it. Last evaluated 2026-01-19.

Conditions:
Mitochondrial trifunctional protein deficiency. Identifiers: Orphanet 746, MedGen C1969443, MONDO:0012172.
Long chain 3-hydroxyacyl-CoA dehydrogenase deficiency. Also called: Deficiency of long-chain 3-hydroxyacyl-coenzyme A dehydrogenase; LCHAD Deficiency. Identifiers: Orphanet 5, MedGen C3711645, MONDO:0012173, OMIM 609016.
HADHA-related disorder. Also called: HADHA-related disorders; HADHA-related condition.

Allele frequency attached by ClinVar (database versions not stated): gnomAD 0.00002 and 0.00003; TOPMed 0.00002; ExAC 0.00005; gnomAD exomes 0.00005 and 0.00007; 1000 Genomes Project 0.00020; 1000 Genomes Project 30x 0.00031.
gnomAD v4.1: 89 of 1,614,156 alleles (0.0055%); highest among the groups gnomAD compares: Admixed American, 0.015%; no homozygotes.

Submissions (4):

Labcorp Genetics (formerly Invitae), Labcorp
Classification: Likely benign for Mitochondrial trifunctional protein deficiency; Long chain 3-hydroxyacyl-CoA dehydrogenase deficiency. Last evaluated: 2026-01-19. Review status: criteria provided, single submitter. Criteria: Invitae Variant Classification Sherloc (09022015). Collection method: clinical testing. Allele origin: germline.

Blueprint Genetics
Classification: Likely benign. Last evaluated: 2024-09-13. Review status: criteria provided, single submitter. Criteria: ACMG Guidelines, 2015. Collection method: clinical testing. Allele origin: germline.

GeneDx
Classification: Likely benign. Last evaluated: 2017-11-10. Review status: criteria provided, single submitter. Criteria: GeneDx Variant Classification (06012015). Collection method: clinical testing. Allele origin: germline. Affected: yes.
Comment: This variant is considered likely benign or benign based on one or more of the following criteria: it is a conservative change, it occurs at a poorly conserved position in the protein, it is predicted to be benign by multiple in silico algorithms, and/or has population frequency not consistent with disease.

PreventionGenetics, part of Exact Sciences
Classification: Likely benign for HADHA-related condition. Last evaluated: 2019-10-02. Review status: no assertion criteria provided. Collection method: clinical testing. Allele origin: germline. Not counted in ClinVar's aggregate classification.
Comment: This variant is classified as likely benign based on ACMG/AMP sequence variant interpretation guidelines (Richards et al. 2015 PMID: 25741868, with internal and published modifications).

NM_000182.5(HADHA):c.2133G>A (p.Pro711=)

Genes: GAREM2 (GRB2 associated regulator of MAPK1 subtype 2; plus strand), HADHA (hydroxyacyl-CoA dehydrogenase trifunctional multienzyme complex subunit alpha; minus strand). Cytogenetic location: 2p23.3.
Variant type: single nucleotide variant.
Coding change: c.2133G>A on transcript NM_000182.5 (MANE Select); coding-DNA position 2133, G replaced by A.
Protein change: p.Pro711=; no amino-acid change (proline 711 retained).
Molecular consequence: synonymous variant.
Genome position (GRCh38, 1-based): chr2:26,191,496, C>T on the plus strand (G>A on the coding strand, the complement: HADHA is on the minus strand). VCF-style: chr2-26191496-C-T. GRCh37 (hg19) VCF-style: chr2-26414365-C-T.
Identifiers: ClinVar variation 516937 (VCV000516937.15), dbSNP rs186499456, ClinGen allele CA1559368.